The following is an entry in ClinVar:

ClinVar aggregate classification (germline): Likely benign (1 of 4 stars; one submission).

Allele frequency attached by ClinVar (database versions not stated): 1000 Genomes Project 30x 0.00156; 1000 Genomes Project 0.00180; ESP Exome Variant Server 0.00185; TOPMed 0.00210; ExAC 0.00485.
gnomAD v4.1: 4,851 of 1,571,422 alleles (0.31%); highest among the groups gnomAD compares: Non-Finnish European, 0.36%; 16 homozygotes.

Submission:

CeGaT Center for Human Genetics Tuebingen
Classification: Likely benign. Last evaluated: 2022-11-01. Review status: criteria provided, single submitter. Criteria: CeGaT Center For Human Genetics Tuebingen Variant Classification Criteria Version 2. Collection method: clinical testing. Allele origin: germline. Affected: yes. Observed: 1 variant allele.
Comment: DUSP4: BP4, BP7, BS2

NM_001394.7(DUSP4):c.573C>T (p.His191=)

Gene: DUSP4 (dual specificity phosphatase 4; minus strand). Cytogenetic location: 8p12.
Variant type: single nucleotide variant.
Coding change: c.573C>T on transcript NM_001394.7 (MANE Select); coding-DNA position 573, C replaced by T.
Protein change: p.His191=; no amino-acid change (histidine 191 retained).
Molecular consequence: synonymous variant.
Genome position (GRCh38, 1-based): chr8:29,340,104, G>A on the plus strand (C>T on the coding strand, the complement: DUSP4 is on the minus strand). VCF-style: chr8-29340104-G-A. GRCh37 (hg19) VCF-style: chr8-29197621-G-A.
Other names: c.300C>T, p.His100= (NM_057158.4).
Identifiers: ClinVar variation 2658512 (VCV002658512.24), dbSNP rs41277861, ClinGen allele CA4699453.